The following is an entry in ClinVar:

ClinVar aggregate classification (germline): Uncertain significance (1 of 4 stars; one submission).

Submission:

Labcorp Genetics (formerly Invitae), Labcorp
Classification: Uncertain significance. Last evaluated: 2021-04-23. Review status: criteria provided, single submitter. Criteria: Invitae Variant Classification Sherloc (09022015). Collection method: clinical testing. Allele origin: germline.
Comment: This sequence change replaces threonine with isoleucine at codon 882 of the MSH3 protein (p.Thr882Ile). The threonine residue is moderately conserved and there is a moderate physicochemical difference between threonine and isoleucine. In summary, the available evidence is currently insufficient to determine the role of this variant in disease. Therefore, it has been classified as a Variant of Uncertain Significance. Algorithms developed to predict the effect of missense changes on protein structure and function are either unavailable or do not agree on the potential impact of this missense change (SIFT: "Tolerated"; PolyPhen-2: "Possibly Damaging"; Align-GVGD: "Class C0"). This variant has not been reported in the literature in individuals with MSH3-related conditions. This variant is not present in population databases (ExAC no frequency).

NM_002439.5(MSH3):c.2645C>T (p.Thr882Ile)

Gene: MSH3 (mutS homolog 3; plus strand). Cytogenetic location: 5q14.1.
Variant type: single nucleotide variant.
Coding change: c.2645C>T on transcript NM_002439.5 (MANE Select); coding-DNA position 2645, C replaced by T.
Protein change: p.Thr882Ile; replaces threonine 882 with isoleucine.
Molecular consequence: missense variant.
Genome position (GRCh38, 1-based): chr5:80,792,834, C>T. VCF-style: chr5-80792834-C-T. GRCh37 (hg19) VCF-style: chr5-80088653-C-T.
Other names: short protein forms T882I.
Identifiers: ClinVar variation 1348241 (VCV001348241.8), dbSNP rs2112026872, ClinGen allele CA360273052.